The following is an entry in ClinVar:

NM_004544.4(NDUFA10):c.*3450G>A

Gene: NDUFA10 (NADH:ubiquinone oxidoreductase subunit A10; minus strand). Cytogenetic location: 2q37.3.
Variant type: single nucleotide variant.
Coding change: c.*3450G>A on transcript NM_004544.4 (MANE Select); 3450 bases downstream of the stop codon, G replaced by A.
Molecular consequence: 3 prime UTR variant. On other transcripts: non-coding transcript variant (3).
Genome position (GRCh38, 1-based): chr2:239,957,668, C>T on the plus strand (G>A on the coding strand, the complement: NDUFA10 is on the minus strand). VCF-style: chr2-239957668-C-T. GRCh37 (hg19) VCF-style: chr2-240897085-C-T.
Other names: c.*3455G>A (NM_001322020.2).
Identifiers: ClinVar variation 335152 (VCV000335152.6), dbSNP rs7573892, ClinGen allele CA10612853.

ClinVar aggregate classification (germline): Benign. Review status: criteria provided, multiple submitters, no conflicts (2 of 4 stars). 3 submissions from 2 submitters: Benign (3). Last evaluated 2018-01-13.

Conditions:
Leigh syndrome (NULS). Also called: Leigh's syndrome; Leigh Syndrome (mtDNA deletion); Leigh Disease; Leigh's necrotizing encephalopathy; Leigh's disease; Subacute necrotizing encephalopathy. Identifiers: Orphanet 506, MedGen C2931891, MONDO:0009723, OMIM 256000.
Mitochondrial complex I deficiency, nuclear type 1. Also called: NADH-COENZYME Q REDUCTASE DEFICIENCY; MITOCHONDRIAL NADH DEHYDROGENASE COMPONENT OF COMPLEX I, DEFICIENCY OF. Identifiers: MedGen C6022305, MONDO:0100224, OMIM 252010.

Allele frequency attached by ClinVar (database versions not stated): gnomAD exomes 0.42857; 1000 Genomes Project 30x 0.58838; 1000 Genomes Project 0.59046; gnomAD 0.59135 and 0.59554; TOPMed 0.59219.
gnomAD v4.1: 89,849 of 152,122 alleles (59%); highest among the groups gnomAD compares: East Asian, 67%; 26,672 homozygotes.

Submissions (3):

Illumina Laboratory Services, Illumina
Classification: Benign for Leigh syndrome. Last evaluated: 2018-01-13. Review status: criteria provided, single submitter. Criteria: ICSL Variant Classification Criteria 13 December 2019. Collection method: clinical testing. Allele origin: germline.
Comment: This variant was observed in the ICSL laboratory as part of a predisposition screen in an ostensibly healthy population. It had not been previously curated by ICSL or reported in the Human Gene Mutation Database (HGMD: prior to June 1st, 2018), and was therefore a candidate for classification through an automated scoring system. Utilizing variant allele frequency, disease prevalence and penetrance estimates, and inheritance mode, an automated score was calculated to assess if this variant is too frequent to cause the disease. Based on the score and internal cut-off values, a variant classified as benign is not then subjected to further curation. The score for this variant resulted in a classification of benign for this disease.

Illumina Laboratory Services, Illumina
Classification: Benign for Mitochondrial complex I deficiency, nuclear type 1. Last evaluated: 2018-01-13. Review status: criteria provided, single submitter. Criteria: ICSL Variant Classification Criteria 13 December 2019. Collection method: clinical testing. Allele origin: germline.
Comment: the same text as in the submission from Illumina Laboratory Services, Illumina above.

Breakthrough Genomics
Classification: Benign. Review status: criteria provided, single submitter. Criteria: ACMG Guidelines, 2015. Collection method: not provided. Allele origin: germline. Inheritance: Autosomal recessive inheritance. Affected: yes.